The following is an entry in ClinVar:

ClinVar aggregate classification (germline): Benign/Likely benign. Review status: criteria provided, multiple submitters, no conflicts (2 of 4 stars). 7 submissions from 7 submitters: Benign (2); Likely benign (4). 1 of the submissions does not count toward it. Last evaluated 2025-12-17.

Conditions:
NARS2-related disorder. Also called: NARS2-related condition.

Allele frequency attached by ClinVar (database versions not stated): 1000 Genomes Project 0.00040; gnomAD 0.00054 and 0.00072; 1000 Genomes Project 30x 0.00062; TOPMed 0.00062; ESP Exome Variant Server 0.00077; gnomAD exomes 0.00087 and 0.00154; ExAC 0.00147.
gnomAD v4.1: 1,393 of 1,613,960 alleles (0.086%); highest among the groups gnomAD compares: South Asian, 0.72%; 5 homozygotes.

Submissions (7):

Women's Health and Genetics/Laboratory Corporation of America, LabCorp
Classification: Likely benign. Last evaluated: 2025-12-17. Review status: criteria provided, single submitter. Criteria: LabCorp Variant Classification Summary - May 2015. Collection method: clinical testing. Allele origin: germline.
Comment: Variant summary: NARS2 c.1082A>G (p.Asn361Ser) results in a conservative amino acid change in the encoded protein sequence. Algorithms developed to predict the effect of missense changes on protein structure and function are either unavailable or do not agree on the potential impact of this missense change. The variant allele was found at a frequency of 0.0015 in 251166 control chromosomes, predominantly at a frequency of 0.0076 within the South Asian subpopulation in the gnomAD database, including 3 homozygotes. The observed variant frequency within South Asian control individuals in the gnomAD database exceeds the estimated maximal expected allele frequency for disease-causing variants in NARS2. To our knowledge, no occurrence of c.1082A>G in individuals affected with NARS2-related conditions and no experimental evidence demonstrating its impact on protein function have been reported. ClinVar contains an entry for this variant (Variation ID: 786829). Based on the evidence outlined above, the variant was classified as likely benign.

Labcorp Genetics (formerly Invitae), Labcorp
Classification: Likely benign. Last evaluated: 2025-11-06. Review status: criteria provided, single submitter. Criteria: Invitae Variant Classification Sherloc (09022015). Collection method: clinical testing. Allele origin: germline.

Blueprint Genetics
Classification: Likely benign. Last evaluated: 2024-11-18. Review status: criteria provided, single submitter. Criteria: ACMG Guidelines, 2015. Collection method: clinical testing. Allele origin: germline.

CeGaT Center for Human Genetics Tuebingen
Classification: Likely benign. Last evaluated: 2023-03-01. Review status: criteria provided, single submitter. Criteria: CeGaT Center For Human Genetics Tuebingen Variant Classification Criteria Version 2. Collection method: clinical testing. Allele origin: germline. Affected: yes. Observed: 3 variant alleles.
Comment: NARS2: BP4, BS2

Dubai Health Genomic Medicine Center, Dubai Health
Classification: Benign. Last evaluated: 2020-07-23. Review status: criteria provided, single submitter. Criteria: ACMG Guidelines, 2015. Collection method: clinical testing. Allele origin: germline. Affected: yes.

GeneDx
Classification: Benign. Last evaluated: 2020-01-31. Review status: criteria provided, single submitter. Criteria: GeneDx Variant Classification Process June 2021. Collection method: clinical testing. Allele origin: germline. Affected: yes.

PreventionGenetics, part of Exact Sciences
Classification: Benign for NARS2-related condition. Last evaluated: 2019-10-29. Review status: no assertion criteria provided. Collection method: clinical testing. Allele origin: germline. Not counted in ClinVar's aggregate classification.
Comment: This variant is classified as benign based on ACMG/AMP sequence variant interpretation guidelines (Richards et al. 2015 PMID: 25741868, with internal and published modifications).

NM_024678.6(NARS2):c.1082A>G (p.Asn361Ser)

Gene: NARS2 (asparaginyl-tRNA synthetase 2, mitochondrial; minus strand). Cytogenetic location: 11q14.1.
Variant type: single nucleotide variant.
Coding change: c.1082A>G on transcript NM_024678.6 (MANE Select); coding-DNA position 1082, A replaced by G.
Protein change: p.Asn361Ser; replaces asparagine 361 with serine.
Molecular consequence: missense variant.
Genome position (GRCh38, 1-based): chr11:78,465,958, T>C on the plus strand (A>G on the coding strand, the complement: NARS2 is on the minus strand). VCF-style: chr11-78465958-T-C. GRCh37 (hg19) VCF-style: chr11-78177004-T-C.
Other names: c.401A>G, p.Asn134Ser (NM_001243251.2); short protein forms N361S, N134S.
Identifiers: ClinVar variation 786829 (VCV000786829.47), dbSNP rs150355410, ClinGen allele CA6205587.